The following is an entry in ClinVar:

ClinVar aggregate classification (germline): Uncertain significance. Review status: criteria provided, multiple submitters, no conflicts (2 of 4 stars). 2 submissions from 2 submitters: Uncertain significance (2). Last evaluated 2025-11-18.

Submissions (2):

Labcorp Genetics (formerly Invitae), Labcorp
Classification: Uncertain significance. Last evaluated: 2025-11-18. Review status: criteria provided, single submitter. Criteria: Invitae Variant Classification Sherloc (09022015). Collection method: clinical testing. Allele origin: germline.
Comment: This sequence change replaces arginine, which is basic and polar, with glutamine, which is neutral and polar, at codon 1530 of the CACNA1D protein (p.Arg1530Gln). This variant is not present in population databases (gnomAD no frequency). This variant has not been reported in the literature in individuals affected with CACNA1D-related conditions. Invitae Evidence Modeling of protein sequence and biophysical properties (such as structural, functional, and spatial information, amino acid conservation, physicochemical variation, residue mobility, and thermodynamic stability) indicates that this missense variant is expected to disrupt CACNA1D protein function with a positive predictive value of 80%. Algorithms developed to predict the effect of sequence changes on RNA splicing suggest that this variant may disrupt the consensus splice site. In summary, the available evidence is currently insufficient to determine the role of this variant in disease. Therefore, it has been classified as a Variant of Uncertain Significance.

Blueprint Genetics
Classification: Uncertain significance. Last evaluated: 2024-02-23. Review status: criteria provided, single submitter. Criteria: ACMG Guidelines, 2015. Collection method: clinical testing. Allele origin: germline.

NM_001128840.3(CACNA1D):c.4529G>A (p.Arg1510Gln)

Gene: CACNA1D (calcium voltage-gated channel subunit alpha1 D; plus strand). Cytogenetic location: 3p21.1.
Variant type: single nucleotide variant.
Coding change: c.4529G>A on transcript NM_001128840.3 (MANE Select); coding-DNA position 4529, G replaced by A.
Protein change: p.Arg1510Gln; replaces arginine 1510 with glutamine.
Molecular consequence: missense variant.
Genome position (GRCh38, 1-based): chr3:53,776,898, G>A. VCF-style: chr3-53776898-G-A. GRCh37 (hg19) VCF-style: chr3-53810925-G-A.
Other names: c.4589G>A, p.Arg1530Gln (NM_000720.4); c.4484G>A, p.Arg1495Gln (NM_001128839.3); short protein forms R1495Q, R1510Q, R1530Q.
Identifiers: ClinVar variation 4750291 (VCV004750291.2).